The following is an entry in ClinVar:

ClinVar aggregate classification (germline): Benign/Likely benign. Review status: criteria provided, multiple submitters, no conflicts (2 of 4 stars). 6 submissions from 6 submitters: Benign (2); Likely benign (3). 1 of the submissions does not count toward it. Last evaluated 2026-04-24.

Conditions:
GALNT12-related disorder. Also called: GALNT12-related condition.
Colorectal cancer, susceptibility to, 1. Also called: COLORECTAL ADENOMA AND CANCER, SUSCEPTIBILITY TO; COLORECTAL CANCER, SUSCEPTIBILITY TO, ON CHROMOSOME 9. Identifiers: MedGen C1837315, MONDO:0012132, OMIM 608812.

Allele frequency attached by ClinVar (database versions not stated): TOPMed 0.00006.
gnomAD v4.1: 303 of 1,614,034 alleles (0.019%); highest among the groups gnomAD compares: Non-Finnish European, 0.022%; no homozygotes.

Submissions (6):

Myriad Genetics, Inc.
Classification: Benign for Colorectal cancer, susceptibility to, 1. Last evaluated: 2026-04-24. Review status: criteria provided, single submitter. Criteria: Myriad Autosomal Dominant, Autosomal Recessive and X-Linked Classification Criteria (2023). Collection method: clinical testing. Allele origin: unknown.
Comment: This variant is considered benign. This variant is a silent/synonymous amino acid change and it is not expected to impact splicing.

Labcorp Genetics (formerly Invitae), Labcorp
Classification: Likely benign. Last evaluated: 2025-11-16. Review status: criteria provided, single submitter. Criteria: Invitae Variant Classification Sherloc (09022015). Collection method: clinical testing. Allele origin: germline.

Quest Diagnostics Nichols Institute San Juan Capistrano
Classification: Benign. Last evaluated: 2025-04-29. Review status: criteria provided, single submitter. Criteria: Quest Diagnostics criteria. Collection method: clinical testing. Allele origin: unknown.

Department of Pathology and Laboratory Medicine, Sinai Health System
Classification: Likely benign for Colorectal cancer, susceptibility to, 1. Last evaluated: 2022-06-22. Review status: criteria provided, single submitter. Criteria: ACMG Guidelines, 2015. Collection method: clinical testing. Allele origin: germline. Affected: yes.

Ambry Genetics
Classification: Likely benign. Last evaluated: 2017-02-09. Review status: criteria provided, single submitter. Criteria: Ambry Variant Classification Scheme 2023. Collection method: clinical testing. Allele origin: germline.

PreventionGenetics, part of Exact Sciences
Classification: Likely benign for GALNT12-related condition. Last evaluated: 2020-02-11. Review status: no assertion criteria provided. Collection method: clinical testing. Allele origin: germline. Not counted in ClinVar's aggregate classification.
Comment: This variant is classified as likely benign based on ACMG/AMP sequence variant interpretation guidelines (Richards et al. 2015 PMID: 25741868, with internal and published modifications).

NM_024642.5(GALNT12):c.858G>A (p.Thr286=)

Gene: GALNT12 (polypeptide N-acetylgalactosaminyltransferase 12; plus strand). Cytogenetic location: 9q22.33.
Variant type: single nucleotide variant.
Coding change: c.858G>A on transcript NM_024642.5 (MANE Select); coding-DNA position 858, G replaced by A.
Protein change: p.Thr286=; no amino-acid change (threonine 286 retained).
Molecular consequence: synonymous variant.
Genome position (GRCh38, 1-based): chr9:98,831,898, G>A. VCF-style: chr9-98831898-G-A. GRCh37 (hg19) VCF-style: chr9-101594180-G-A.
Identifiers: ClinVar variation 485650 (VCV000485650.21), dbSNP rs202039153, ClinGen allele CA5154081.